The following is an entry in ClinVar:

NM_005883.3(APC2):c.4633C>G (p.Arg1545Gly)

Gene: APC2 (APC regulator of Wnt signaling pathway 2; plus strand). Cytogenetic location: 19p13.3.
Variant type: single nucleotide variant.
Coding change: c.4633C>G on transcript NM_005883.3 (MANE Select); coding-DNA position 4633, C replaced by G.
Protein change: p.Arg1545Gly; replaces arginine 1545 with glycine.
Molecular consequence: missense variant.
Genome position (GRCh38, 1-based): chr19:1,467,934, C>G. VCF-style: chr19-1467934-C-G. GRCh37 (hg19) VCF-style: chr19-1467933-C-G.
Other names: c.4630C>G, p.Arg1544Gly (NM_001351273.1); short protein forms R1545G, R1544G.
Identifiers: ClinVar variation 2056554 (VCV002056554.4), dbSNP rs775249886, ClinGen allele CA403037503.
Genomic context (GRCh38, chr19:1,467,934, plus strand): 5'-CCAACCCACCGGCGCACATCGGCCATCCCTCGCGCTTTTACGCGGGAGCGTCCGCAGGGC[C>G]GGAAGGAGGCCCCTGCCCCGTCCAAGGCTGCACCAGCTGCCCCGCCGCCCGCCCGGACCC-3'
Protein context (NP_005874.1, residues 1535-1555): RAFTRERPQG[Arg1545Gly]KEAPAPSKAA

ClinVar aggregate classification (germline): Uncertain significance (1 of 4 stars; one submission).

gnomAD v4.1: 5 of 1,585,756 alleles (0.00032%); highest among the groups gnomAD compares: African/African-American, 0.0014%; no homozygotes.

Submission:

Labcorp Genetics (formerly Invitae), Labcorp
Classification: Uncertain significance. Last evaluated: 2022-04-07. Review status: criteria provided, single submitter. Criteria: Invitae Variant Classification Sherloc (09022015). Collection method: clinical testing. Allele origin: germline.
Comment: In summary, the available evidence is currently insufficient to determine the role of this variant in disease. Therefore, it has been classified as a Variant of Uncertain Significance. Algorithms developed to predict the effect of missense changes on protein structure and function are either unavailable or do not agree on the potential impact of this missense change (SIFT: "Tolerated"; PolyPhen-2: "Possibly Damaging"; Align-GVGD: "Class C0"). This variant has not been reported in the literature in individuals affected with APC2-related conditions. This variant is present in population databases (no rsID available, gnomAD 0.01%). This sequence change replaces arginine, which is basic and polar, with glycine, which is neutral and non-polar, at codon 1545 of the APC2 protein (p.Arg1545Gly).